The following is an entry in ClinVar:

ClinVar aggregate classification (germline): Likely pathogenic. Review status: criteria provided, multiple submitters, no conflicts (2 of 4 stars). 2 submissions from 2 submitters: Likely pathogenic (2). Last evaluated 2023-04-24.

Submissions (2):

Revvity Omics, Revvity
Classification: Likely pathogenic. Last evaluated: 2023-04-24. Review status: criteria provided, single submitter. Criteria: ACMG Guidelines, 2015. Collection method: clinical testing. Allele origin: germline.

GeneDx
Classification: Likely pathogenic. Last evaluated: 2018-03-27. Review status: criteria provided, single submitter. Criteria: GeneDx Variant Classification (06012015). Collection method: clinical testing. Allele origin: germline. Affected: yes.
Comment: The E25177X likely pathogenic variant in the TTN gene has not been reported previously as a disease-causing pathogenic variant or as a benign variant, to our knowledge. This variant is predicted to cause loss of normal protein function either due to production of an abnormal, prematurely truncated protein, or by absence of protein product due to nonsense mediated mRNA decay. Other truncating TTN variants have been reported in approximately 3% of control alleles (Herman et al., 2012). However, E25177X is located in the A-band region of titin, where the majority of truncating pathogenic variants associated with DCM have been reported (Herman et al., 2012). Furthermore, the E25177X variant is not observed in large population cohorts (Lek et al., 2016; 1000 Genomes Consortium et al., 2015; Exome Variant Server).

NM_001267550.2(TTN):c.80452G>T (p.Glu26818Ter)

Genes: TTN (titin; minus strand), TTN-AS1 (TTN antisense RNA 1; plus strand). Cytogenetic location: 2q31.2.
Variant type: single nucleotide variant.
Coding change: c.80452G>T on transcript NM_001267550.2 (MANE Select); coding-DNA position 80452, G replaced by T.
Protein change: p.Glu26818Ter; replaces glutamic acid 26818 with a stop codon.
Molecular consequence: nonsense.
Genome position (GRCh38, 1-based): chr2:178,565,680, C>A on the plus strand (G>T on the coding strand, the complement: TTN is on the minus strand). VCF-style: chr2-178565680-C-A. GRCh37 (hg19) VCF-style: chr2-179430407-C-A.
Other names: c.75529G>T, p.Glu25177Ter (NM_001256850.1); c.53257G>T, p.Glu17753Ter (NM_003319.4); c.72748G>T, p.Glu24250Ter (NM_133378.4); c.53632G>T, p.Glu17878Ter (NM_133432.3); c.53833G>T, p.Glu17945Ter (NM_133437.4); short protein forms E25177*, E26818*, E17753*, E24250*, E17878*, E17945*.
Identifiers: ClinVar variation 451171 (VCV000451171.4), dbSNP rs1553583434, ClinGen allele CA349588714.